The following is an entry in ClinVar:

ClinVar aggregate classification (germline): Pathogenic (1 of 4 stars; one submission).

Conditions:
Mucopolysaccharidosis, MPS-IV-A (MPS4A). Also called: Mucopolysaccharidosis type IV A; Mucopolysaccharidosis Type IVA; Morquio syndrome A, mild; MORQUIO SYNDROME A; MPS IVA; mucopolysaccharidosis type 4A. Identifiers: Orphanet 309297, Orphanet 582, MedGen C0086651, MONDO:0009659, OMIM 253000.

Submission:

Laboratory of Diagnosis and Therapy of Lysosomal Disorders, University of Padova
Classification: Pathogenic for Mucopolysaccharidosis, MPS-IV-A. Last evaluated: 2021-02-01. Review status: criteria provided, single submitter. Criteria: ACMG Guidelines, 2015. Collection method: research. Allele origin: germline. Affected: yes.
Comment: Single exon deletion (PVS1_very strong); in vivo functional studies supportive of a damaging effect on the gene product (low to null enzymatic activity in homozygotes; PS3_supporting); absent from gnomAD v2.1.1 (PM2_moderate)

Literature cited by the submitters: PubMed 34387910.

NM_000512.5:c.(1364+1_1365-1)_(1482+1_1483-1)del

Gene: GALNS (galactosamine (N-acetyl)-6-sulfatase; minus strand).
Variant type: Deletion.
Other names: c.(1364+1_1365-1)_(1482+1_1483-1)del (NM_000512.5).
Identifiers: ClinVar variation 1048509 (VCV001048509.3).